The following is an entry in ClinVar:

NM_001083961.2(WDR62):c.3221-5C>T

Gene: WDR62 (WD repeat domain 62; plus strand). Cytogenetic location: 19q13.12.
Variant type: single nucleotide variant.
Coding change: c.3221-5C>T on transcript NM_001083961.2 (MANE Select); 5 bases into the intron before coding-DNA position 3221, C replaced by T.
Molecular consequence: intron variant.
Genome position (GRCh38, 1-based): chr19:36,102,732, C>T. VCF-style: chr19-36102732-C-T. GRCh37 (hg19) VCF-style: chr19-36593634-C-T.
Other names: c.3221-20C>T (NM_173636.5); c.2972-5C>T (NM_001411146.1); c.3206-5C>T (NM_001411145.1); c.2870-5C>T (NM_001411147.1).
Identifiers: ClinVar variation 2966269 (VCV002966269.3), dbSNP rs747827957, ClinGen allele CA9396221.

ClinVar aggregate classification (germline): Uncertain significance (1 of 4 stars; one submission).

Allele frequency attached by ClinVar (database versions not stated): gnomAD exomes below 0.00001; ExAC 0.00001.

Submission:

Labcorp Genetics (formerly Invitae), Labcorp
Classification: Uncertain significance. Last evaluated: 2023-11-19. Review status: criteria provided, single submitter. Criteria: Invitae Variant Classification Sherloc (09022015). Collection method: clinical testing. Allele origin: germline.
Comment: This sequence change falls in intron 26 of the WDR62 gene. It does not directly change the encoded amino acid sequence of the WDR62 protein. This variant is present in population databases (rs747827957, gnomAD 0.006%). This variant has not been reported in the literature in individuals affected with WDR62-related conditions. Algorithms developed to predict the effect of sequence changes on RNA splicing suggest that this variant may create or strengthen a splice site. In summary, the available evidence is currently insufficient to determine the role of this variant in disease. Therefore, it has been classified as a Variant of Uncertain Significance.